The following is an entry in ClinVar:

NM_001083926.2(ASRGL1):c.115C>T (p.Arg39Trp)

Gene: ASRGL1 (asparaginase and isoaspartyl peptidase 1; plus strand). Cytogenetic location: 11q12.3.
Variant type: single nucleotide variant.
Coding change: c.115C>T on transcript NM_001083926.2 (MANE Select); coding-DNA position 115, C replaced by T.
Protein change: p.Arg39Trp; replaces arginine 39 with tryptophan.
Molecular consequence: missense variant.
Genome position (GRCh38, 1-based): chr11:62,338,092, C>T. VCF-style: chr11-62338092-C-T. GRCh37 (hg19) VCF-style: chr11-62105564-C-T.
Other names: c.115C>T, p.Arg39Trp (NM_025080.4); c.115C>T (NM_001083926.1); short protein forms R39W.
Identifiers: ClinVar variation 1462056 (VCV001462056.8), dbSNP rs533515407, ClinGen allele CA6043091.

ClinVar aggregate classification (germline): Uncertain significance. Review status: criteria provided, multiple submitters, no conflicts (2 of 4 stars). 3 submissions from 3 submitters: Uncertain significance (3). Last evaluated 2025-02-20.

Allele frequency attached by ClinVar (database versions not stated): gnomAD exomes below 0.00001; TOPMed below 0.00001; ExAC 0.00001; gnomAD 0.00001.

Submissions (3):

Ambry Genetics
Classification: Uncertain significance. Last evaluated: 2025-02-20. Review status: criteria provided, single submitter. Criteria: Ambry Variant Classification Scheme 2023. Collection method: clinical testing. Allele origin: germline.

Labcorp Genetics (formerly Invitae), Labcorp
Classification: Uncertain significance. Last evaluated: 2024-12-07. Review status: criteria provided, single submitter. Criteria: Invitae Variant Classification Sherloc (09022015). Collection method: clinical testing. Allele origin: germline.
Comment: This sequence change replaces arginine, which is basic and polar, with tryptophan, which is neutral and slightly polar, at codon 39 of the ASRGL1 protein (p.Arg39Trp). The frequency data for this variant in the population databases is considered unreliable, as metrics indicate poor data quality at this position in the gnomAD database. This variant has not been reported in the literature in individuals affected with ASRGL1-related conditions. ClinVar contains an entry for this variant (Variation ID: 1462056). An algorithm developed to predict the effect of missense changes on protein structure and function (PolyPhen-2) suggests that this variant is likely to be disruptive. In summary, the available evidence is currently insufficient to determine the role of this variant in disease. Therefore, it has been classified as a Variant of Uncertain Significance.

Breakthrough Genomics
Classification: Uncertain significance. Review status: criteria provided, single submitter. Criteria: ACMG Guidelines, 2015. Collection method: not provided. Allele origin: germline. Inheritance: Unknown mechanism. Affected: yes.